The following is an entry in ClinVar:

NM_001166108.2(PALLD):c.1981G>C (p.Ala661Pro)

Gene: PALLD (palladin, cytoskeletal associated protein; plus strand). Cytogenetic location: 4q32.3.
Variant type: single nucleotide variant.
Coding change: c.1981G>C on transcript NM_001166108.2 (MANE Select); coding-DNA position 1981, G replaced by C.
Protein change: p.Ala661Pro; replaces alanine 661 with proline.
Molecular consequence: missense variant. On other transcripts: 5 prime UTR variant (4).
Genome position (GRCh38, 1-based): chr4:168,890,938, G>C. VCF-style: chr4-168890938-G-C. GRCh37 (hg19) VCF-style: chr4-169812089-G-C.
Other names: c.835G>C, p.Ala279Pro (NM_001166109.2); c.520G>C, p.Ala174Pro (NM_001166110.2); c.-141G>C (NM_001367567.1, NM_001367568.1, NM_001367569.1 and 1 more transcripts); c.1981G>C, p.Ala661Pro (NM_016081.4); short protein forms A174P, A661P, A279P.
Identifiers: ClinVar variation 238613 (VCV000238613.8), dbSNP rs878854267, ClinGen allele CA10582221.

ClinVar aggregate classification (germline): Uncertain significance (1 of 4 stars; one submission).

Conditions:
Pancreatic adenocarcinoma. Identifiers: MedGen C0281361, MONDO:0006047, HP:0006725.

Allele frequency attached by ClinVar (database versions not stated): TOPMed below 0.00001.
gnomAD v4.1: 6 of 1,613,876 alleles (0.00037%); highest among the groups gnomAD compares: Non-Finnish European, 0.00051%; no homozygotes.

Submission:

Labcorp Genetics (formerly Invitae), Labcorp
Classification: Uncertain significance for Pancreatic adenocarcinoma. Last evaluated: 2022-04-18. Review status: criteria provided, single submitter. Criteria: Invitae Variant Classification Sherloc (09022015). Collection method: clinical testing. Allele origin: germline.
Comment: In summary, the available evidence is currently insufficient to determine the role of this variant in disease. Therefore, it has been classified as a Variant of Uncertain Significance. Algorithms developed to predict the effect of missense changes on protein structure and function are either unavailable or do not agree on the potential impact of this missense change (SIFT: "Deleterious"; PolyPhen-2: "Benign"; Align-GVGD: "Class C0"). ClinVar contains an entry for this variant (Variation ID: 238613). This variant has not been reported in the literature in individuals affected with PALLD-related conditions. This variant is not present in population databases (gnomAD no frequency). This sequence change replaces alanine, which is neutral and non-polar, with proline, which is neutral and non-polar, at codon 174 of the PALLD protein (p.Ala174Pro).